The following is an entry in ClinVar:

NM_004168.4(SDHA):c.1394G>A (p.Arg465Gln)

Gene: SDHA (succinate dehydrogenase complex flavoprotein subunit A; plus strand). Cytogenetic location: 5p15.33.
Variant type: single nucleotide variant.
Coding change: c.1394G>A on transcript NM_004168.4 (MANE Select); coding-DNA position 1394, G replaced by A.
Protein change: p.Arg465Gln; replaces arginine 465 with glutamine.
Molecular consequence: missense variant.
Genome position (GRCh38, 1-based): chr5:236,561, G>A. VCF-style: chr5-236561-G-A. GRCh37 (hg19) VCF-style: chr5-236676-G-A.
Other names: c.1250G>A, p.Arg417Gln (NM_001294332.2); c.1394G>A, p.Arg465Gln (NM_001330758.2); short protein forms R417Q, R465Q.
Identifiers: ClinVar variation 698244 (VCV000698244.25), dbSNP rs138277996, ClinGen allele CA3173213.

ClinVar aggregate classification (germline): Conflicting classifications of pathogenicity. Review status: criteria provided, conflicting classifications (1 of 4 stars). 5 submissions from 5 submitters: Uncertain significance (4); Benign (1). Last evaluated 2026-01-20.

Conditions:
Hereditary cancer-predisposing syndrome. Also called: Neoplastic Syndromes, Hereditary; Hereditary Cancer Syndrome; Hereditary neoplastic syndrome; Tumor predisposition. Identifiers: Orphanet 140162, MedGen C0027672, MeSH D009386, MONDO:0015356.
SDHA-related disorder. Also called: SDHA-related condition; SDHA-related disorders.
Pheochromocytoma/paraganglioma syndrome 5. Also called: Paragangliomas 5; SDHA-Related Hereditary Paraganglioma-Pheochromocytoma Syndrome. Identifiers: Orphanet 29072, MedGen C3279992, MONDO:0013602, OMIM 614165.
Mitochondrial complex II deficiency, nuclear type 1. Also called: SUCCINATE CoQ REDUCTASE DEFICIENCY. Identifiers: Orphanet 3208, MedGen C5700310, MONDO:0100294, OMIM 252011.
Hereditary pheochromocytoma and paraganglioma. Also called: Hereditary pheochromocytoma-paraganglioma; Hereditary paragangliomas and pheochromocytomas; Hereditary Paraganglioma-Pheochromocytoma Syndromes. Identifiers: Orphanet 29072, MedGen C4274332, MONDO:0017366.

Allele frequency attached by ClinVar (database versions not stated): gnomAD 0.00002; ExAC 0.01602.

Submissions (15):

Labcorp Genetics (formerly Invitae), Labcorp
Classification: Benign for Pheochromocytoma/paraganglioma syndrome 5; Mitochondrial complex II deficiency, nuclear type 1. Last evaluated: 2026-01-20. Review status: criteria provided, single submitter. Criteria: Invitae Variant Classification Sherloc (09022015). Collection method: clinical testing. Allele origin: germline.

Ambry Genetics
Classification: Uncertain significance for Hereditary cancer-predisposing syndrome. Last evaluated: 2025-05-01. Review status: criteria provided, single submitter. Criteria: Ambry Variant Classification Scheme 2023. Collection method: clinical testing. Allele origin: germline.
Comment: The p.R465Q variant (also known as c.1394G>A), located in coding exon 10 of the SDHA gene, results from a G to A substitution at nucleotide position 1394. The arginine at codon 465 is replaced by glutamine, an amino acid with highly similar properties. This amino acid position is highly conserved in available vertebrate species. In addition, this alteration is predicted to be deleterious by in silico analysis. Based on the available evidence, the clinical significance of this variant remains unclear.

GeneDx
Classification: Uncertain significance. Last evaluated: 2025-01-08. Review status: criteria provided, single submitter. Criteria: GeneDx Variant Classification Process June 2021. Collection method: clinical testing. Allele origin: germline. Affected: yes.
Comment: In silico analysis supports that this missense variant has a deleterious effect on protein structure/function; Has not been previously published as a pathogenic or benign germline variant to our knowledge; This variant is associated with the following publications: (PMID: 30616628, 30680959, 26928227, 23849264, 37312221, 38184384)

PreventionGenetics, part of Exact Sciences
Classification: Uncertain significance for SDHA-related condition. Last evaluated: 2024-10-12. Review status: criteria provided, single submitter. Criteria: ACMG Guidelines, 2015. Collection method: clinical testing. Allele origin: germline.
Comment: The SDHA c.1394G>A variant is predicted to result in the amino acid substitution p.Arg465Gln. To our knowledge, this variant has not been reported in the literature. This variant is reported in 0.020% of alleles in individuals of Ashkenazi Jewish descent in gnomAD. At this time, the clinical significance of this variant is uncertain due to the absence of conclusive functional and genetic evidence.

Department of Pathology and Laboratory Medicine, Sinai Health System
Classification: Uncertain significance for Hereditary pheochromocytoma and paraganglioma. Last evaluated: 2023-01-26. Review status: criteria provided, single submitter. Criteria: ACMG Guidelines, 2015. Collection method: clinical testing. Allele origin: germline. Affected: yes.

Dr. Peter K. Rogan Lab, Western University
No classification provided (evidence only). Condition: Clear cell carcinoma of kidney. Review status: no classification provided. Collection method: in vitro. Allele origin: not applicable. Functional consequence: retained intron. Not counted in ClinVar's aggregate classification.

Dr. Peter K. Rogan Lab, Western University
No classification provided (evidence only). Condition: Clear cell carcinoma of kidney. Review status: no classification provided. Collection method: in vitro. Allele origin: not applicable. Functional consequence: retained intron. Not counted in ClinVar's aggregate classification.

Dr. Peter K. Rogan Lab, Western University
No classification provided (evidence only). Condition: Acute myeloid leukemia. Review status: no classification provided. Collection method: in vitro. Allele origin: not applicable. Functional consequence: retained intron. Not counted in ClinVar's aggregate classification.

Dr. Peter K. Rogan Lab, Western University
No classification provided (evidence only). Condition: Squamous cell carcinoma of the head and neck. Review status: no classification provided. Collection method: in vitro. Allele origin: not applicable. Functional consequence: retained intron. Not counted in ClinVar's aggregate classification.

Dr. Peter K. Rogan Lab, Western University
No classification provided (evidence only). Condition: Cervical cancer. Review status: no classification provided. Collection method: in vitro. Allele origin: not applicable. Functional consequence: retained intron. Not counted in ClinVar's aggregate classification.

Dr. Peter K. Rogan Lab, Western University
No classification provided (evidence only). Condition: Nonpapillary renal cell carcinoma. Review status: no classification provided. Collection method: in vitro. Allele origin: not applicable. Functional consequence: retained intron. Not counted in ClinVar's aggregate classification.

Dr. Peter K. Rogan Lab, Western University
No classification provided (evidence only). Condition: Nonpapillary renal cell carcinoma. Review status: no classification provided. Collection method: in vitro. Allele origin: not applicable. Functional consequence: retained intron. Not counted in ClinVar's aggregate classification.

Dr. Peter K. Rogan Lab, Western University
No classification provided (evidence only). Condition: Ovarian serous cystadenocarcinoma. Review status: no classification provided. Collection method: in vitro. Allele origin: not applicable. Functional consequence: retained intron. Not counted in ClinVar's aggregate classification.

Dr. Peter K. Rogan Lab, Western University
No classification provided (evidence only). Condition: Ovarian serous cystadenocarcinoma. Review status: no classification provided. Collection method: in vitro. Allele origin: not applicable. Functional consequence: retained intron. Not counted in ClinVar's aggregate classification.

Dr. Peter K. Rogan Lab, Western University
No classification provided (evidence only). Condition: Ovarian serous cystadenocarcinoma. Review status: no classification provided. Collection method: in vitro. Allele origin: not applicable. Functional consequence: retained intron. Not counted in ClinVar's aggregate classification.